The following is an entry in ClinVar:

ClinVar aggregate classification (germline): Uncertain significance (1 of 4 stars; one submission).

Allele frequency attached by ClinVar (database versions not stated): gnomAD exomes below 0.00001; TOPMed below 0.00001.

Submission:

Labcorp Genetics (formerly Invitae), Labcorp
Classification: Uncertain significance. Last evaluated: 2022-02-16. Review status: criteria provided, single submitter. Criteria: Invitae Variant Classification Sherloc (09022015). Collection method: clinical testing. Allele origin: germline.
Comment: In summary, the available evidence is currently insufficient to determine the role of this variant in disease. Therefore, it has been classified as a Variant of Uncertain Significance. Variants that disrupt the consensus splice site are a relatively common cause of aberrant splicing (PMID: 17576681, 9536098). Algorithms developed to predict the effect of sequence changes on RNA splicing suggest that this variant may disrupt the consensus splice site. ClinVar contains an entry for this variant (Variation ID: 1015918). This variant has not been reported in the literature in individuals affected with AGBL5-related conditions. This variant is present in population databases (no rsID available, gnomAD 0.003%). This sequence change falls in intron 14 of the AGBL5 gene. It does not directly change the encoded amino acid sequence of the AGBL5 protein. It affects a nucleotide within the consensus splice site.

Literature cited by the submitters: PubMed 17576681; PubMed 9536098.

NM_021831.6(AGBL5):c.2489+4A>G

Gene: AGBL5 (AGBL carboxypeptidase 5; plus strand). Cytogenetic location: 2p23.3.
Variant type: single nucleotide variant.
Coding change: c.2489+4A>G on transcript NM_021831.6 (MANE Select); 4 bases into the intron after coding-DNA position 2489, A replaced by G.
Molecular consequence: intron variant.
Genome position (GRCh38, 1-based): chr2:27,069,710, A>G. VCF-style: chr2-27069710-A-G. GRCh37 (hg19) VCF-style: chr2-27292578-A-G.
Identifiers: ClinVar variation 1015918 (VCV001015918.6), dbSNP rs1406169396, ClinGen allele CA531420307.
Genomic context (GRCh38, chr2:27,069,710, plus strand): 5'-CCCCCGGACCAGGGAGAGCAGTGAGCTGGAGCTGGGATCCTGCTCTGCTACACCAGGGTG[A>G]GCACTTGGGTCCAGTCCCTCACACCACCCCTCACTTCTGTCCCCTCATTCCCATTTCTGT-3'